The following is an entry in ClinVar:

NM_000455.5(STK11):c.417G>T (p.Met139Ile)

Gene: STK11 (serine/threonine kinase 11; plus strand). Cytogenetic location: 19p13.3.
Variant type: single nucleotide variant.
Coding change: c.417G>T on transcript NM_000455.5 (MANE Select); coding-DNA position 417, G replaced by T.
Protein change: p.Met139Ile; replaces methionine 139 with isoleucine.
Molecular consequence: missense variant. On other transcripts: non-coding transcript variant (1).
Genome position (GRCh38, 1-based): chr19:1,219,366, G>T. VCF-style: chr19-1219366-G-T. GRCh37 (hg19) VCF-style: chr19-1219365-G-T.
Other names: c.417G>T, p.Met139Ile (NM_001407255.1); short protein forms M139I.
Identifiers: ClinVar variation 3802386 (VCV003802386.1).

ClinVar aggregate classification (germline): Uncertain significance (1 of 4 stars; one submission).

Conditions:
Hereditary cancer-predisposing syndrome. Also called: Neoplastic Syndromes, Hereditary; Hereditary Cancer Syndrome; Tumor predisposition; Hereditary neoplastic syndrome. Identifiers: Orphanet 140162, MedGen C0027672, MeSH D009386, MONDO:0015356.

Submission:

Ambry Genetics
Classification: Uncertain significance for Hereditary cancer-predisposing syndrome. Last evaluated: 2024-12-16. Review status: criteria provided, single submitter. Criteria: Ambry Variant Classification Scheme 2023. Collection method: clinical testing. Allele origin: germline.
Comment: The p.M139I variant (also known as c.417G>T), located in coding exon 3 of the STK11 gene, results from a G to T substitution at nucleotide position 417. The methionine at codon 139 is replaced by isoleucine, an amino acid with highly similar properties. This amino acid position is highly conserved in available vertebrate species. In addition, the in silico prediction for this alteration is inconclusive. Based on the available evidence, the clinical significance of this variant remains unclear.